The following is an entry in ClinVar:

NM_001267550.2(TTN):c.63269A>G (p.Tyr21090Cys)

Genes: TTN (titin; minus strand), TTN-AS1 (TTN antisense RNA 1; plus strand). Cytogenetic location: 2q31.2.
Variant type: single nucleotide variant.
Coding change: c.63269A>G on transcript NM_001267550.2 (MANE Select); coding-DNA position 63269, A replaced by G.
Protein change: p.Tyr21090Cys; replaces tyrosine 21090 with cysteine.
Molecular consequence: missense variant.
Genome position (GRCh38, 1-based): chr2:178,588,138, T>C on the plus strand (A>G on the coding strand, the complement: TTN is on the minus strand). VCF-style: chr2-178588138-T-C. GRCh37 (hg19) VCF-style: chr2-179452865-T-C.
Other names: c.58346A>G, p.Tyr19449Cys (NM_001256850.1); c.36074A>G, p.Tyr12025Cys (NM_003319.4); c.55565A>G, p.Tyr18522Cys (NM_133378.4); c.36449A>G, p.Tyr12150Cys (NM_133432.3); c.36650A>G, p.Tyr12217Cys (NM_133437.4); short protein forms Y12025C, Y12150C, Y12217C, Y18522C, Y19449C, Y21090C.
Identifiers: ClinVar variation 1299272 (VCV001299272.5), dbSNP rs377480514, ClinGen allele CA1992119.

ClinVar aggregate classification (germline): Uncertain significance. Review status: criteria provided, single submitter (1 of 4 stars). 4 submissions from 4 submitters: Uncertain significance (1). 3 of the submissions do not count toward it. Last evaluated 2026-05-01.

Allele frequency attached by ClinVar (database versions not stated): gnomAD 0.00001.
gnomAD v4.1: 21 of 1,611,490 alleles (0.0013%); highest among the groups gnomAD compares: Non-Finnish European, 0.0015%; no homozygotes.

Submissions (4):

CeGaT Center for Human Genetics Tuebingen
Classification: Uncertain significance. Last evaluated: 2026-05-01. Review status: criteria provided, single submitter. Criteria: CeGaT Center For Human Genetics Tuebingen Variant Classification Criteria Version 2. Collection method: clinical testing. Allele origin: germline. Affected: yes. Observed: 1 variant allele.
Comment: TTN: PM2

Clinical Genetics DNA and cytogenetics Diagnostics Lab, Erasmus MC, Erasmus Medical Center
Classification: Uncertain significance. Review status: no assertion criteria provided. Collection method: clinical testing. Allele origin: germline. Affected: yes. Study: VKGL Data-share Consensus. Not counted in ClinVar's aggregate classification.

Diagnostic Laboratory, Department of Genetics, University Medical Center Groningen
Classification: Uncertain significance. Review status: no assertion criteria provided. Collection method: clinical testing. Allele origin: germline. Affected: yes. Study: VKGL Data-share Consensus. Not counted in ClinVar's aggregate classification.

Joint Genome Diagnostic Labs from Nijmegen and Maastricht, Radboudumc and MUMC+
Classification: Uncertain significance. Review status: no assertion criteria provided. Collection method: clinical testing. Allele origin: germline. Affected: yes. Study: VKGL Data-share Consensus. Not counted in ClinVar's aggregate classification.